The following is an entry in ClinVar:

ClinVar aggregate classification (germline): Uncertain significance (1 of 4 stars; one submission).

gnomAD v4.1: 44 of 1,613,698 alleles (0.0027%); highest among the groups gnomAD compares: Non-Finnish European, 0.0035%; no homozygotes.

Submission:

GeneDx
Classification: Uncertain significance. Last evaluated: 2025-05-02. Review status: criteria provided, single submitter. Criteria: GeneDx Variant Classification Process June 2021. Collection method: clinical testing. Allele origin: germline. Affected: yes.
Comment: In silico analysis supports that this missense variant has a deleterious effect on protein structure/function; Has not been previously published as pathogenic or benign to our knowledge

NM_002465.4(MYBPC1):c.1958T>C (p.Val653Ala)

Gene: MYBPC1 (myosin binding protein C1; plus strand). Cytogenetic location: 12q23.2.
Variant type: single nucleotide variant.
Coding change: c.1958T>C on transcript NM_002465.4 (MANE Select); coding-DNA position 1958, T replaced by C.
Protein change: p.Val653Ala; replaces valine 653 with alanine.
Molecular consequence: missense variant.
Genome position (GRCh38, 1-based): chr12:101,661,188, T>C. VCF-style: chr12-101661188-T-C. GRCh37 (hg19) VCF-style: chr12-102054966-T-C.
Other names: c.1826T>C, p.Val609Ala (NM_001404676.1, NM_001404678.1, NM_001254721.3); c.1748T>C, p.Val583Ala (NM_001404677.1, NM_001404679.1, NM_001404681.1); c.1805T>C, p.Val602Ala (NM_001404680.1, NM_001254722.3); c.1958T>C, p.Val653Ala (NM_206819.4, NM_001404675.1); c.1883T>C, p.Val628Ala (NM_206820.4, NM_206821.4, NM_001254718.3 and 1 more transcripts); c.1847T>C, p.Val616Ala (NM_001254720.3); c.1844T>C, p.Val615Ala (NM_001254723.3); short protein forms V583A, V602A, V609A, V615A, V616A, V628A, V653A.
Identifiers: ClinVar variation 4528075 (VCV004528075.1).